The following is an entry in ClinVar:

NM_012186.3(FOXE3):c.470A>G (p.Asn157Ser)

Genes: FOXE3 (forkhead box E3; plus strand), LINC01389 (long independently transcribed non-coding RNA 1389; minus strand). Cytogenetic location: 1p33.
Variant type: single nucleotide variant.
Coding change: c.470A>G on transcript NM_012186.3 (MANE Select); coding-DNA position 470, A replaced by G.
Protein change: p.Asn157Ser; replaces asparagine 157 with serine.
Molecular consequence: missense variant.
Genome position (GRCh38, 1-based): chr1:47,416,785, A>G. VCF-style: chr1-47416785-A-G. GRCh37 (hg19) VCF-style: chr1-47882457-A-G.
Other names: c.470A>G (NM_012186.2); short protein forms N157S.
Identifiers: ClinVar variation 2937707 (VCV002937707.4), dbSNP rs1557448063, ClinGen allele CA340250060.

ClinVar aggregate classification (germline): Uncertain significance. Review status: criteria provided, multiple submitters, no conflicts (2 of 4 stars). 2 submissions from 2 submitters: Uncertain significance (2). Last evaluated 2026-03-29.

Conditions:
Cardiovascular phenotype. Identifiers: MedGen CN230736.
Anterior segment dysgenesis. Also called: Ocular anterior segment dysgenesis. Identifiers: Orphanet 88632, MedGen C1862839, MONDO:0019503, HP:0007700.
Congenital primary aphakia. Also called: Anterior segment dysgenesis 2, multiple subtypes; ANTERIOR SEGMENT DYSGENESIS 2. Identifiers: Orphanet 83461, MedGen C1853230, MONDO:0012456, OMIM 610256.

Allele frequency attached by ClinVar (database versions not stated): TOPMed below 0.00001; gnomAD 0.00001; gnomAD exomes 0.00002.

Submissions (2):

Ambry Genetics
Classification: Uncertain significance for Cardiovascular phenotype. Last evaluated: 2026-03-29. Review status: criteria provided, single submitter. Criteria: Ambry Variant Classification Scheme 2023. Collection method: clinical testing. Allele origin: germline.
Comment: The p.N157S variant (also known as c.470A>G), located in coding exon 1 of the FOXE3 gene, results from an A to G substitution at nucleotide position 470. The asparagine at codon 157 is replaced by serine, an amino acid with highly similar properties. This amino acid position is conserved. In addition, the in silico prediction for this alteration is inconclusive. Based on the available evidence, the clinical significance of this variant remains unclear.

Labcorp Genetics (formerly Invitae), Labcorp
Classification: Uncertain significance for Anterior segment dysgenesis; Congenital primary aphakia. Last evaluated: 2023-09-29. Review status: criteria provided, single submitter. Criteria: Invitae Variant Classification Sherloc (09022015). Collection method: clinical testing. Allele origin: germline.
Comment: This variant has not been reported in the literature in individuals affected with FOXE3-related conditions. This sequence change replaces asparagine, which is neutral and polar, with serine, which is neutral and polar, at codon 157 of the FOXE3 protein (p.Asn157Ser). This variant is not present in population databases (gnomAD no frequency). Advanced modeling of protein sequence and biophysical properties (such as structural, functional, and spatial information, amino acid conservation, physicochemical variation, residue mobility, and thermodynamic stability) performed at Invitae indicates that this missense variant is not expected to disrupt FOXE3 protein function. In summary, the available evidence is currently insufficient to determine the role of this variant in disease. Therefore, it has been classified as a Variant of Uncertain Significance.